The following is an entry in ClinVar:

ClinVar aggregate classification (germline): Pathogenic (1 of 4 stars; one submission).

Conditions:
Marfan syndrome (MFS). Also called: MARFAN SYNDROME, TYPE I; Marfan syndrome type 1; Marfan's syndrome; Marfan syndrome, classic; FBN1-Related Marfan Syndrome. Identifiers: Orphanet 284963, Orphanet 558, MedGen C0024796, MONDO:0007947, OMIM 154700.
Familial thoracic aortic aneurysm and aortic dissection (TAAD). Also called: Thoracic aortic aneurysms and dissections. Identifiers: Orphanet 91387, MedGen C4707243, MONDO:0019625.

Submission:

Labcorp Genetics (formerly Invitae), Labcorp
Classification: Pathogenic for Marfan syndrome; Familial thoracic aortic aneurysm and aortic dissection. Last evaluated: 2023-11-28. Review status: criteria provided, single submitter. Criteria: Invitae Variant Classification Sherloc (09022015). Collection method: clinical testing. Allele origin: germline.
Comment: This sequence change creates a premature translational stop signal (p.Cys231Alafs*99) in the FBN1 gene. It is expected to result in an absent or disrupted protein product. Loss-of-function variants in FBN1 are known to be pathogenic (PMID: 17657824, 19293843). This variant is not present in population databases (gnomAD no frequency). This variant has not been reported in the literature in individuals affected with FBN1-related conditions. For these reasons, this variant has been classified as Pathogenic.

Literature cited by the submitters: PubMed 17657824; PubMed 19293843.

NM_000138.5(FBN1):c.691del (p.Cys231fs)

Gene: FBN1 (fibrillin 1; minus strand). Cytogenetic location: 15q21.1.
Variant type: Deletion.
Coding change: c.691del on transcript NM_000138.5 (MANE Select); coding-DNA position 691, one base deleted (T; older notation c.691delT).
Protein change: p.Cys231fs; shifts the reading frame from cysteine 231.
Molecular consequence: frameshift variant.
Genome position (GRCh38, 1-based): chr15:48,537,656, A deleted on the plus strand (T on the coding strand, the reverse complement: FBN1 is on the minus strand). VCF-style (leftmost placement, unchanged base first): chr15-48537655-CA-C. GRCh37 (hg19) VCF-style: chr15-48829852-CA-C.
Other names: c.691del, p.Cys231fs (NM_001406716.1, NM_001406717.1); short protein forms C231fs.
Identifiers: ClinVar variation 2954285 (VCV002954285.3), dbSNP rs2505661213, ClinGen allele CA2740096691.
Genomic context (GRCh38, chr15:48,537,655, plus strand): 5'-ATCAGCCCGGGTTTACCTTGACAAGCTCCCGTGCGGATATTTGGAATGAAGCCACGGCGG[CA>C]GGGGTGAGGCTGGGCAGGACACATCTCACAGGGGTGGCCCCAGGCTCGGCCGACTGTGGC-3'